The following is an entry in ClinVar:

NM_000426.4(LAMA2):c.7898+1G>A

Gene: LAMA2 (laminin subunit alpha 2; plus strand). Cytogenetic location: 6q22.33.
Variant type: single nucleotide variant.
Coding change: c.7898+1G>A on transcript NM_000426.4 (MANE Select); the canonical splice donor site of the intron after coding-DNA position 7898, G replaced by A.
Molecular consequence: splice donor variant.
Genome position (GRCh38, 1-based): chr6:129,486,623, G>A. VCF-style: chr6-129486623-G-A. GRCh37 (hg19) VCF-style: chr6-129807768-G-A.
Other names: c.7886+1G>A (NM_001079823.2).
Identifiers: ClinVar variation 1028256 (VCV001028256.5), dbSNP rs1784599832, ClinGen allele CA365629586.

ClinVar aggregate classification (germline): Pathogenic. Review status: criteria provided, multiple submitters, no conflicts (2 of 4 stars). 3 submissions from 3 submitters: Pathogenic (3). Last evaluated 2025-09-10.

Conditions:
LAMA2-related muscular dystrophy (LAMA2-RD). Also called: Laminin alpha 2-related dystrophy. Identifiers: MedGen C5679788, MONDO:0100228.
Merosin deficient congenital muscular dystrophy (MDC1A). Also called: Congenital Muscular Dystrophy Type 1A (MDC1A); Congenital merosin-deficient muscular dystrophy 1A. Identifiers: Orphanet 258, MedGen C1263858, MONDO:0011925, OMIM 607855.

gnomAD v4.1: 10 of 1,612,900 alleles (0.00062%); highest among the groups gnomAD compares: Non-Finnish European, 0.00076%; no homozygotes.

Submissions (3):

Genomic Medicine Center of Excellence, King Faisal Specialist Hospital and Research Centre
Classification: Pathogenic for Merosin deficient congenital muscular dystrophy. Last evaluated: 2025-09-10. Review status: criteria provided, single submitter. Criteria: ACMG Guidelines, 2015. Collection method: clinical testing. Allele origin: germline.

Labcorp Genetics (formerly Invitae), Labcorp
Classification: Pathogenic for LAMA2-related muscular dystrophy. Last evaluated: 2023-02-09. Review status: criteria provided, single submitter. Criteria: Invitae Variant Classification Sherloc (09022015). Collection method: clinical testing. Allele origin: germline.
Comment: For these reasons, this variant has been classified as Pathogenic. Algorithms developed to predict the effect of sequence changes on RNA splicing suggest that this variant may disrupt the consensus splice site. ClinVar contains an entry for this variant (Variation ID: 1028256). Disruption of this splice site has been observed in individual(s) with congenital muscular dystrophy (PMID: 16770791, 27159402, 30055037). This variant is not present in population databases (gnomAD no frequency). This sequence change affects a donor splice site in intron 56 of the LAMA2 gene. It is expected to disrupt RNA splicing. Variants that disrupt the donor or acceptor splice site typically lead to a loss of protein function (PMID: 16199547), and loss-of-function variants in LAMA2 are known to be pathogenic (PMID: 18700894, 32904964).

Baylor Genetics
Classification: Pathogenic for Merosin deficient congenital muscular dystrophy. Last evaluated: 2020-06-19. Review status: criteria provided, single submitter. Criteria: ACMG Guidelines, 2015. Collection method: clinical testing. Allele origin: unknown. Affected: yes.
Comment: This variant was determined to be pathogenic according to ACMG Guidelines, 2015 [PMID:25741868].

Literature cited by the submitters: PubMed 16770791 (cited by Labcorp Genetics (formerly Invitae), Labcorp); PubMed 27159402 (cited by Labcorp Genetics (formerly Invitae), Labcorp); PubMed 30055037 (cited by Labcorp Genetics (formerly Invitae), Labcorp); PubMed 16199547 (cited by Labcorp Genetics (formerly Invitae), Labcorp); PubMed 18700894 (cited by Labcorp Genetics (formerly Invitae), Labcorp); PubMed 32904964 (cited by Labcorp Genetics (formerly Invitae), Labcorp).